The following is an entry in ClinVar:

ClinVar aggregate classification (germline): Pathogenic/Likely pathogenic. Review status: criteria provided, multiple submitters, no conflicts (2 of 4 stars). 2 submissions from 2 submitters: Pathogenic (1); Likely pathogenic (1). Last evaluated 2026-04-24.

Conditions:
FDXR-related optic atrophy mitochondrial dysfunction syndrome. Identifiers: MedGen CN379475, MONDO:1060116.
FDXR-related disorder. Also called: FDXR-related condition; FDXR-related disorders.

gnomAD v4.1: 79 of 1,613,934 alleles (0.0049%); highest among the groups gnomAD compares: Non-Finnish European, 0.0062%; no homozygotes.

Submissions (2):

Victorian Clinical Genetics Services, Murdoch Childrens Research Institute
Classification: Likely pathogenic for FDXR-related optic atrophy mitochondrial dysfunction syndrome. Last evaluated: 2026-04-24. Review status: criteria provided, single submitter. Criteria: ACMG Guidelines, 2015. Collection method: clinical testing. Allele origin: germline. Affected: yes.
Comment: This variant is classified as Likely pathogenic. Evidence in support of pathogenic classification: Variant is present in gnomAD <0.01 for a recessive condition (v4: 72 heterozygote(s), 0 homozygote(s)); This variant has strong previous evidence of pathogenicity in unrelated individuals. This variant has been reported in the literature in five unrelated affected individuals, each with two FDXR variants; compound heterozygous status was confirmed in two affected individuals (PMID: 33938912); Strong phenotype match for this individual. Additional information: Variant is predicted to result in a missense amino acid change from Pro to His; This variant is heterozygous; This gene is associated with autosomal recessive disease; Alternative amino acid change(s) at the same position are present in gnomAD (highest allele count: v4: 4 heterozygote(s), 0 homozygote(s)); No published evidence of segregation with disease has been identified for this variant; No published functional evidence has been identified for this variant; Another missense variant comparable to the one identified in this case has inconclusive previous evidence for pathogenicity. The p.(Pro372Ser) variant has been classified as a VUS by a clinical laboratory in ClinVar; Variant is located in the annotated ferredoxin-NADP+ reductase domain (NCBI); Missense variant with inconclusive in silico prediction and/or uninformative conservation; Loss of function is a known mechanism of disease in this gene and is associated with FDXR-related optic atrophy mitochondrial dysfunction syndrome (MONDO:1060116); Inheritance information for this variant is not currently available in this individual.

Blueprint Genetics
Classification: Pathogenic for FDXR-related disorders. Last evaluated: 2023-10-06. Review status: criteria provided, single submitter. Criteria: ACMG Guidelines, 2015. Collection method: clinical testing. Allele origin: germline. Affected: yes. Observed: 2 variant alleles.

Literature cited by the submitters: PubMed 33938912 (cited by Victorian Clinical Genetics Services, Murdoch Childrens Research Institute).

NM_024417.5(FDXR):c.1115C>A (p.Pro372His)

Gene: FDXR (ferredoxin reductase; minus strand). Cytogenetic location: 17q25.1.
Variant type: single nucleotide variant.
Coding change: c.1115C>A on transcript NM_024417.5 (MANE Select); coding-DNA position 1115, C replaced by A.
Protein change: p.Pro372His; replaces proline 372 with histidine.
Molecular consequence: missense variant. On other transcripts: non-coding transcript variant (1).
Genome position (GRCh38, 1-based): chr17:74,863,955, G>T on the plus strand (C>A on the coding strand, the complement: FDXR is on the minus strand). VCF-style: chr17-74863955-G-T. GRCh37 (hg19) VCF-style: chr17-72860077-G-T.
Other names: c.1244C>A, p.Pro415His (NM_001258012.4); c.1208C>A, p.Pro403His (NM_001258013.4); c.1091C>A, p.Pro364His (NM_001258014.4); c.995C>A, p.Pro332His (NM_001258015.3); c.959C>A, p.Pro320His (NM_001258016.3); c.1133C>A, p.Pro378His (NM_004110.6); short protein forms P320H, P332H, P364H, P372H, P378H, P403H, P415H.
Identifiers: ClinVar variation 4879652 (VCV004879652.2).